The following is an entry in ClinVar:

ClinVar aggregate classification (germline): Pathogenic (1 of 4 stars; one submission).

Conditions:
Marfan syndrome (MFS). Also called: MARFAN SYNDROME, TYPE I; Marfan syndrome type 1; Marfan's syndrome; Marfan syndrome, classic; FBN1-Related Marfan Syndrome. Identifiers: Orphanet 284963, Orphanet 558, MedGen C0024796, MONDO:0007947, OMIM 154700.
Familial thoracic aortic aneurysm and aortic dissection (TAAD). Also called: Thoracic aortic aneurysms and dissections. Identifiers: Orphanet 91387, MedGen C4707243, MONDO:0019625.

Submission:

Labcorp Genetics (formerly Invitae), Labcorp
Classification: Pathogenic for Marfan syndrome; Familial thoracic aortic aneurysm and aortic dissection. Last evaluated: 2024-03-16. Review status: criteria provided, single submitter. Criteria: Invitae Variant Classification Sherloc (09022015). Collection method: clinical testing. Allele origin: germline.
Comment: This sequence change creates a premature translational stop signal (p.Cys2061Valfs*27) in the FBN1 gene. It is expected to result in an absent or disrupted protein product. Loss-of-function variants in FBN1 are known to be pathogenic (PMID: 17657824, 19293843). This variant is not present in population databases (gnomAD no frequency). This variant has not been reported in the literature in individuals affected with FBN1-related conditions. For these reasons, this variant has been classified as Pathogenic.

Literature cited by the submitters: PubMed 17657824; PubMed 19293843.

NM_000138.5(FBN1):c.6181del (p.Cys2061fs)

Gene: FBN1 (fibrillin 1; minus strand). Cytogenetic location: 15q21.1.
Variant type: Deletion.
Coding change: c.6181del on transcript NM_000138.5 (MANE Select); coding-DNA position 6181, one base deleted (T; older notation c.6181delT).
Protein change: p.Cys2061fs; shifts the reading frame from cysteine 2061.
Molecular consequence: frameshift variant.
Genome position (GRCh38, 1-based): chr15:48,437,900, A deleted on the plus strand (T on the coding strand, the reverse complement: FBN1 is on the minus strand). VCF-style (leftmost placement, unchanged base first): chr15-48437899-CA-C. GRCh37 (hg19) VCF-style: chr15-48730096-CA-C.
Other names: c.6181del, p.Cys2061fs (NM_001406716.1); short protein forms C2061fs.
Identifiers: ClinVar variation 3755349 (VCV003755349.2).